The following is an entry in ClinVar:

ClinVar aggregate classification (germline): Pathogenic (1 of 4 stars; one submission).

Submission:

ISCA Site 6
Classification: Pathogenic. Last evaluated: 2011-08-12. Review status: criteria provided, single submitter. Criteria: Kaminsky et al. (Genet Med. 2011). Collection method: clinical testing. Allele origin: de novo. Affected: yes. Observed: 1 variant allele.
Comment: Copy number variation identified through the course of routine clinical cytogenomic testing in postnatal populations. Clinical assertions have been curated as described in Kaminsky et al. 2011.

GRCh38/hg38 17p13.3-13.2(chr17:2357067-4328426)x3

Genes: ANKFY1 (ankyrin repeat and FYVE domain containing 1; minus strand), ASPA (aspartoacylase; plus strand), ATP2A3 (ATPase sarcoplasmic/endoplasmic reticulum Ca2+ transporting 3; minus strand), CAMKK1 (calcium/calmodulin dependent protein kinase kinase 1; minus strand), CCDC92B (coiled-coil domain containing 92B; minus strand) and 123 more. Cytogenetic location: 17p13.3-13.2.
Variant type: copy number gain.
Change: copy number 3 (three copies instead of two) of chr17:2,357,067-4,328,426 (1.97 Mb, GRCh38 coordinates, 1-based), cytogenetic band 17p13.3-13.2.
Identifiers: ClinVar variation 58677 (VCV000058677.2).